The following is an entry in ClinVar:

ClinVar aggregate classification (germline): Uncertain significance (1 of 4 stars; one submission).

Conditions:
Inborn genetic diseases. Identifiers: MedGen C0950123, MeSH D030342.

gnomAD v4.1: 1 of 1,603,342 alleles (0.000062%); no homozygotes.

Submission:

Ambry Genetics
Classification: Uncertain significance for Inborn genetic diseases. Last evaluated: 2025-04-24. Review status: criteria provided, single submitter. Criteria: Ambry Variant Classification Scheme 2023. Collection method: clinical testing. Allele origin: germline.
Comment: The p.T467I variant (also known as c.1400C>T), located in coding exon 8 of the ERCC6L2 gene, results from a C to T substitution at nucleotide position 1400. The threonine at codon 467 is replaced by isoleucine, an amino acid with similar properties. This amino acid position is conserved. In addition, this alteration is predicted to be tolerated by in silico analysis. Based on the available evidence, the clinical significance of this variant remains unclear.

NM_020207.7(ERCC6L2):c.1400C>T (p.Thr467Ile)

Gene: ERCC6L2 (ERCC excision repair 6 like 2; plus strand). Cytogenetic location: 9q22.32.
Variant type: single nucleotide variant.
Coding change: c.1400C>T on transcript NM_020207.7 (MANE Select); coding-DNA position 1400, C replaced by T.
Protein change: p.Thr467Ile; replaces threonine 467 with isoleucine.
Molecular consequence: missense variant. On other transcripts: non-coding transcript variant (1).
Genome position (GRCh38, 1-based): chr9:95,922,405, C>T. VCF-style: chr9-95922405-C-T. GRCh37 (hg19) VCF-style: chr9-98684687-C-T.
Other names: c.1400C>T, p.Thr467Ile (NM_001010895.4, NM_001375291.1, NM_001375292.1 and 2 more transcripts); short protein forms T467I.
Identifiers: ClinVar variation 4019328 (VCV004019328.1).